The following is an entry in ClinVar:

ClinVar aggregate classification (germline): Likely benign (1 of 4 stars; one submission).

Conditions:
ABCG8-related disorder. Also called: ABCG8-related condition.

Submission:

PreventionGenetics, part of Exact Sciences
Classification: Likely benign for ABCG8-related condition. Last evaluated: 2024-11-12. Review status: criteria provided, single submitter. Criteria: ACMG Guidelines, 2015. Collection method: clinical testing. Allele origin: germline.
Comment: This variant is classified as likely benign based on ACMG/AMP sequence variant interpretation guidelines (Richards et al. 2015 PMID: 25741868, with internal and published modifications).

NM_022437.3(ABCG8):c.1757-8G>T

Gene: ABCG8 (ATP binding cassette subfamily G member 8; plus strand). Cytogenetic location: 2p21.
Variant type: single nucleotide variant.
Coding change: c.1757-8G>T on transcript NM_022437.3 (MANE Select); 8 bases into the intron before coding-DNA position 1757, G replaced by T.
Molecular consequence: intron variant.
Genome position (GRCh38, 1-based): chr2:43,877,553, G>T. VCF-style: chr2-43877553-G-T. GRCh37 (hg19) VCF-style: chr2-44104692-G-T.
Other names: c.1754-8G>T (NM_001357321.2).
Identifiers: ClinVar variation 4985219 (VCV004985219.1).